The following is an entry in ClinVar:

NM_002519.3(NPAT):c.2965C>T (p.Pro989Ser)

Gene: NPAT (nuclear protein, coactivator of histone transcription; minus strand). Cytogenetic location: 11q22.3.
Variant type: single nucleotide variant.
Coding change: c.2965C>T on transcript NM_002519.3 (MANE Select); coding-DNA position 2965, C replaced by T.
Protein change: p.Pro989Ser; replaces proline 989 with serine.
Molecular consequence: missense variant.
Genome position (GRCh38, 1-based): chr11:108,169,789, G>A on the plus strand (C>T on the coding strand, the complement: NPAT is on the minus strand). VCF-style: chr11-108169789-G-A. GRCh37 (hg19) VCF-style: chr11-108040516-G-A.
Other names: c.2965C>T, p.Pro989Ser (NM_001321307.1); short protein forms P989S.
Identifiers: ClinVar variation 1798211 (VCV001798211.3), dbSNP rs1203728434, ClinGen allele CA382511848.

ClinVar aggregate classification (germline): Uncertain significance. Review status: criteria provided, multiple submitters, no conflicts (2 of 4 stars). 2 submissions from 2 submitters: Uncertain significance (2). Last evaluated 2025-07-31.

Allele frequency attached by ClinVar (database versions not stated): gnomAD 0.00001.
gnomAD v4.1: 3 of 1,613,862 alleles (0.00019%); no homozygotes.

Submissions (2):

Labcorp Genetics (formerly Invitae), Labcorp
Classification: Uncertain significance. Last evaluated: 2025-07-31. Review status: criteria provided, single submitter. Criteria: Invitae Variant Classification Sherloc (09022015). Collection method: clinical testing. Allele origin: germline.
Comment: This sequence change replaces proline, which is neutral and non-polar, with serine, which is neutral and polar, at codon 989 of the NPAT protein (p.Pro989Ser). This variant is present in population databases (no rsID available, gnomAD 0.01%). This variant has not been reported in the literature in individuals affected with NPAT-related conditions. ClinVar contains an entry for this variant (Variation ID: 1798211). An algorithm developed to predict the effect of missense changes on protein structure and function (PolyPhen-2) suggests that this variant is likely to be disruptive. In summary, the available evidence is currently insufficient to determine the role of this variant in disease. Therefore, it has been classified as a Variant of Uncertain Significance.

Ambry Genetics
Classification: Uncertain significance. Last evaluated: 2021-12-04. Review status: criteria provided, single submitter. Criteria: Ambry Variant Classification Scheme 2023. Collection method: clinical testing. Allele origin: germline.
Comment: The p.P989S variant (also known as c.2965C>T), located in coding exon 15 of the NPAT gene, results from a C to T substitution at nucleotide position 2965. The proline at codon 989 is replaced by serine, an amino acid with similar properties. This amino acid position is conserved. In addition, this alteration is predicted to be tolerated by in silico analysis. Since supporting evidence is limited at this time, the clinical significance of this alteration remains unclear.